The following is an entry in ClinVar:

ClinVar aggregate classification (germline): Uncertain significance (1 of 4 stars; one submission).

Conditions:
NEFH-related disorder. Also called: NEFH-related condition.

Submission:

PreventionGenetics, part of Exact Sciences
Classification: Uncertain significance for NEFH-related condition. Last evaluated: 2023-03-11. Review status: criteria provided, single submitter. Criteria: ACMG Guidelines, 2015. Collection method: clinical testing. Allele origin: germline.
Comment: The NEFH c.428G>A variant is predicted to result in the amino acid substitution p.Gly143Asp. To our knowledge, this variant has not been reported in the literature or in a large population database, indicating this variant is rare. At this time, the clinical significance of this variant is uncertain due to the absence of conclusive functional and genetic evidence.

NM_021076.4(NEFH):c.428G>A (p.Gly143Asp)

Gene: NEFH (neurofilament heavy chain; plus strand). Cytogenetic location: 22q12.2.
Variant type: single nucleotide variant.
Coding change: c.428G>A on transcript NM_021076.4 (MANE Select); coding-DNA position 428, G replaced by A.
Protein change: p.Gly143Asp; replaces glycine 143 with aspartic acid.
Molecular consequence: missense variant.
Genome position (GRCh38, 1-based): chr22:29,480,690, G>A. VCF-style: chr22-29480690-G-A. GRCh37 (hg19) VCF-style: chr22-29876679-G-A.
Other names: short protein forms G143D.
Identifiers: ClinVar variation 2629743 (VCV002629743.1), dbSNP rs2517968775, ClinGen allele CA411122834.